The following is an entry in ClinVar:

NM_016816.4(OAS1):c.654+4T>C

Gene: OAS1 (2'-5'-oligoadenylate synthetase 1; plus strand). Cytogenetic location: 12q24.13.
Variant type: single nucleotide variant.
Coding change: c.654+4T>C on transcript NM_016816.4 (MANE Select); 4 bases into the intron after coding-DNA position 654, T replaced by C.
Molecular consequence: intron variant. On other transcripts: missense variant (5), non-coding transcript variant (4).
Genome position (GRCh38, 1-based): chr12:112,911,239, T>C. VCF-style: chr12-112911239-T-C. GRCh37 (hg19) VCF-style: chr12-113349044-T-C.
Other names: c.611T>C, p.Met204Thr (NM_001406020.1, NM_001406021.1, NM_001406023.1 and 2 more transcripts); c.654+4T>C (NM_001320151.2, NM_001406022.1, NM_001032409.3 and 1 more transcripts); c.180+4020T>C (NM_001406030.1, NM_001406029.1, NM_001406027.1 and 1 more transcripts); short protein forms M204T.
Identifiers: ClinVar variation 3615921 (VCV003615921.2).

ClinVar aggregate classification (germline): Uncertain significance (1 of 4 stars; one submission).

gnomAD v4.1: 7 of 1,576,454 alleles (0.00044%); highest among the groups gnomAD compares: African/African-American, 0.0071%; no homozygotes.

Submission:

Labcorp Genetics (formerly Invitae), Labcorp
Classification: Uncertain significance. Last evaluated: 2024-09-19. Review status: criteria provided, single submitter. Criteria: Invitae Variant Classification Sherloc (09022015). Collection method: clinical testing. Allele origin: germline.
Comment: This sequence change falls in intron 3 of the OAS1 gene. It does not directly change the encoded amino acid sequence of the OAS1 protein. It affects a nucleotide within the consensus splice site. This variant is not present in population databases (gnomAD no frequency). This variant has not been reported in the literature in individuals affected with OAS1-related conditions. Variants that disrupt the consensus splice site are a relatively common cause of aberrant splicing (PMID: 17576681, 9536098). Algorithms developed to predict the effect of sequence changes on RNA splicing suggest that this variant may create or strengthen a splice site. In summary, the available evidence is currently insufficient to determine the role of this variant in disease. Therefore, it has been classified as a Variant of Uncertain Significance.

Literature cited by the submitters: PubMed 17576681; PubMed 9536098.